The following is an entry in ClinVar:

ClinVar aggregate classification (germline): Uncertain significance. Review status: criteria provided, multiple submitters, no conflicts (2 of 4 stars). 2 submissions from 2 submitters: Uncertain significance (2). Last evaluated 2023-01-23.

Conditions:
Intellectual developmental disorder, X-linked, syndromic, Raymond type. Also called: Syndromic X-linked intellectual disability Raymond type. Identifiers: MedGen C3275406, MONDO:0010427, OMIM 300799.

Submissions (2):

GeneDx
Classification: Uncertain significance. Last evaluated: 2023-01-23. Review status: criteria provided, single submitter. Criteria: GeneDx Variant Classification Process June 2021. Collection method: clinical testing. Allele origin: germline. Affected: yes.
Comment: Not observed at significant frequency in large population cohorts (gnomAD); In silico analysis supports that this missense variant has a deleterious effect on protein structure/function; Has not been previously published as pathogenic or benign to our knowledge

Labcorp Genetics (formerly Invitae), Labcorp
Classification: Uncertain significance for Intellectual developmental disorder, X-linked, syndromic, Raymond type. Last evaluated: 2022-11-20. Review status: criteria provided, single submitter. Criteria: Invitae Variant Classification Sherloc (09022015). Collection method: clinical testing. Allele origin: germline.
Comment: This variant has not been reported in the literature in individuals affected with ZDHHC9-related conditions. Advanced modeling of protein sequence and biophysical properties (such as structural, functional, and spatial information, amino acid conservation, physicochemical variation, residue mobility, and thermodynamic stability) performed at Invitae indicates that this missense variant is not expected to disrupt ZDHHC9 protein function. In summary, the available evidence is currently insufficient to determine the role of this variant in disease. Therefore, it has been classified as a Variant of Uncertain Significance. This sequence change replaces aspartic acid, which is acidic and polar, with asparagine, which is neutral and polar, at codon 26 of the ZDHHC9 protein (p.Asp26Asn). This variant is not present in population databases (gnomAD no frequency).

NM_016032.4(ZDHHC9):c.76G>A (p.Asp26Asn)

Gene: ZDHHC9 (zDHHC palmitoyltransferase 9; minus strand). Cytogenetic location: Xq26.1.
Variant type: single nucleotide variant.
Coding change: c.76G>A on transcript NM_016032.4 (MANE Select); coding-DNA position 76, G replaced by A.
Protein change: p.Asp26Asn; replaces aspartic acid 26 with asparagine.
Molecular consequence: missense variant.
Genome position (GRCh38, 1-based): chrX:129,841,870, C>T on the plus strand (G>A on the coding strand, the complement: ZDHHC9 is on the minus strand). VCF-style: chrX-129841870-C-T. GRCh37 (hg19) VCF-style: chrX-128975846-C-T.
Other names: c.76G>A (NM_016032.2); c.76G>A, p.Asp26Asn (NM_001008222.3); short protein forms D26N.
Identifiers: ClinVar variation 1719232 (VCV001719232.6), dbSNP rs2522244327, ClinGen allele CA414627020.
Genomic context (GRCh38, chrX:129,841,870, plus strand): 5'-GGATGAGGAAAAGGGTCAGGTAGAAAATGCCCTTTTGCCGGGCCATCATGACGCGGCCAT[C>T]ACAGCAAAAGGTGTTCCTGCCTGGGAGTTTCTCCCATTTCCGTGTCACCTTCTTTCTCAC-3'
Protein context (NP_057116.2, residues 16-36): KLPGRNTFCC[Asp26Asn]GRVMMARQKG